The following is an entry in ClinVar:

ClinVar aggregate classification (germline): Uncertain significance (1 of 4 stars; one submission).

Conditions:
Inborn genetic diseases. Identifiers: MedGen C0950123, MeSH D030342.

Submission:

Ambry Genetics
Classification: Uncertain significance for Inborn genetic diseases. Last evaluated: 2024-11-25. Review status: criteria provided, single submitter. Criteria: Ambry Variant Classification Scheme 2023. Collection method: clinical testing. Allele origin: germline.
Comment: The p.R885T variant (also known as c.2654G>C), located in coding exon 22 of the DNMT3A gene, results from a G to C substitution at nucleotide position 2654. The arginine at codon 885 is replaced by threonine, an amino acid with similar properties. This amino acid position is conserved. In addition, this alteration is predicted to be deleterious by in silico analysis. Based on the available evidence, the clinical significance of this variant remains unclear.

NM_022552.5(DNMT3A):c.2654G>C (p.Arg885Thr)

Gene: DNMT3A (DNA methyltransferase 3 alpha; minus strand). Cytogenetic location: 2p23.3.
Variant type: single nucleotide variant.
Coding change: c.2654G>C on transcript NM_022552.5 (MANE Select); coding-DNA position 2654, G replaced by C.
Protein change: p.Arg885Thr; replaces arginine 885 with threonine.
Molecular consequence: missense variant. On other transcripts: non-coding transcript variant (1).
Genome position (GRCh38, 1-based): chr2:25,234,364, C>G on the plus strand (G>C on the coding strand, the complement: DNMT3A is on the minus strand). VCF-style: chr2-25234364-C-G. GRCh37 (hg19) VCF-style: chr2-25457233-C-G.
Other names: c.2198G>C, p.Arg733Thr (NM_001320893.1); c.1985G>C, p.Arg662Thr (NM_001375819.1); c.2087G>C, p.Arg696Thr (NM_153759.3); c.2654G>C, p.Arg885Thr (NM_175629.2); short protein forms R662T, R696T, R733T, R885T.
Identifiers: ClinVar variation 3504233 (VCV003504233.1).
Genomic context (GRCh38, chr2:25,234,364, plus strand): 5'-AGCGGAGCGAAGAGGTGGCGGATGACTGGCACGCTCCATGACCGGCCCAGCAGTCTCTGC[C>G]TCGCCAAGCGGCTCATGTTGGAGACGTCAGTATAGTGGACTGGGAAACCAAATACCCTGG-3'
Protein context (NP_072046.2, residues 875-895): TDVSNMSRLA[Arg885Thr]QRLLGRSWSV